The following is an entry in ClinVar:

NM_003632.3(CNTNAP1):c.3462C>T (p.Asn1154=)

Gene: CNTNAP1 (contactin associated protein 1; plus strand). Cytogenetic location: 17q21.2.
Variant type: single nucleotide variant.
Coding change: c.3462C>T on transcript NM_003632.3 (MANE Select); coding-DNA position 3462, C replaced by T.
Protein change: p.Asn1154=; no amino-acid change (asparagine 1154 retained).
Molecular consequence: synonymous variant.
Genome position (GRCh38, 1-based): chr17:42,696,140, C>T. VCF-style: chr17-42696140-C-T. GRCh37 (hg19) VCF-style: chr17-40848158-C-T.
Identifiers: ClinVar variation 4739706 (VCV004739706.2).

ClinVar aggregate classification (germline): Likely benign. Review status: criteria provided, multiple submitters, no conflicts (2 of 4 stars). 2 submissions from 2 submitters: Likely benign (2). Last evaluated 2026-09-01.

gnomAD v4.1: 111 of 1,614,012 alleles (0.0069%); highest among the groups gnomAD compares: Non-Finnish European, 0.0087%; no homozygotes.

Submissions (2):

CeGaT Center for Human Genetics Tuebingen
Classification: Likely benign. Last evaluated: 2026-09-01. Review status: criteria provided, single submitter. Criteria: CeGaT Center For Human Genetics Tuebingen Variant Classification Criteria Version 2. Collection method: clinical testing. Allele origin: germline. Affected: yes. Observed: 1 variant allele.
Comment: CNTNAP1: BP4, BP7

Labcorp Genetics (formerly Invitae), Labcorp
Classification: Likely benign. Last evaluated: 2026-01-05. Review status: criteria provided, single submitter. Criteria: Invitae Variant Classification Sherloc (09022015). Collection method: clinical testing. Allele origin: germline.